The following is an entry in ClinVar:

NM_024077.5(SECISBP2):c.699G>A (p.Met233Ile)

Gene: SECISBP2 (SECIS binding protein 2; plus strand). Cytogenetic location: 9q22.2.
Variant type: single nucleotide variant.
Coding change: c.699G>A on transcript NM_024077.5 (MANE Select); coding-DNA position 699, G replaced by A.
Protein change: p.Met233Ile; replaces methionine 233 with isoleucine.
Molecular consequence: missense variant. On other transcripts: 5 prime UTR variant (1).
Genome position (GRCh38, 1-based): chr9:89,328,784, G>A. VCF-style: chr9-89328784-G-A. GRCh37 (hg19) VCF-style: chr9-91943699-G-A.
Other names: c.696G>A, p.Met232Ile (NM_001282688.2); c.480G>A, p.Met160Ile (NM_001282689.2); c.495G>A, p.Met165Ile (NM_001282690.1); c.699G>A, p.Met233Ile (NM_001354696.2, NM_001354697.2, NM_001354698.2); c.-149G>A (NM_001354702.2); short protein forms M233I, M232I, M160I, M165I.
Identifiers: ClinVar variation 705739 (VCV000705739.4), dbSNP rs143420456, ClinGen allele CA5117170.

ClinVar aggregate classification (germline): Likely benign. Review status: criteria provided, multiple submitters, no conflicts (2 of 4 stars). 2 submissions from 2 submitters: Likely benign (2). Last evaluated 2025-06-18.

Conditions:
SECISBP2-related disorder. Also called: SECISBP2-related condition.

Allele frequency attached by ClinVar (database versions not stated): gnomAD exomes 0.00021 and 0.00027; ExAC 0.00032; ESP Exome Variant Server 0.00085; gnomAD 0.00088 and 0.00090; 1000 Genomes Project 30x 0.00094; TOPMed 0.00104; 1000 Genomes Project 0.00120.
gnomAD v4.1: 449 of 1,614,184 alleles (0.028%); highest among the groups gnomAD compares: African/African-American, 0.32%; 2 homozygotes.

Submissions (2):

PreventionGenetics, part of Exact Sciences
Classification: Likely benign for SECISBP2-related condition. Last evaluated: 2025-06-18. Review status: criteria provided, single submitter. Criteria: ACMG Guidelines, 2015. Collection method: clinical testing. Allele origin: germline.
Comment: This variant is classified as likely benign based on ACMG/AMP sequence variant interpretation guidelines (Richards et al. 2015 PMID: 25741868, with internal and published modifications).

Labcorp Genetics (formerly Invitae), Labcorp
Classification: Likely benign. Last evaluated: 2018-03-30. Review status: criteria provided, single submitter. Criteria: Invitae Variant Classification Sherloc (09022015). Collection method: clinical testing. Allele origin: germline.